The following is an entry in ClinVar:

NM_024753.5(TTC21B):c.311A>G (p.Lys104Arg)

Genes: TTC21B (tetratricopeptide repeat domain 21B; minus strand), TTC21B-AS1 (TTC21B antisense RNA 1; plus strand). Cytogenetic location: 2q24.3.
Variant type: single nucleotide variant.
Coding change: c.311A>G on transcript NM_024753.5 (MANE Select); coding-DNA position 311, A replaced by G.
Protein change: p.Lys104Arg; replaces lysine 104 with arginine.
Molecular consequence: missense variant.
Genome position (GRCh38, 1-based): chr2:165,945,642, T>C on the plus strand (A>G on the coding strand, the complement: TTC21B is on the minus strand). VCF-style: chr2-165945642-T-C. GRCh37 (hg19) VCF-style: chr2-166802152-T-C.
Other names: c.311A>G (NM_024753.4); short protein forms K104R.
Identifiers: ClinVar variation 3584644 (VCV003584644.2).

ClinVar aggregate classification (germline): Uncertain significance. Review status: criteria provided, multiple submitters, no conflicts (2 of 4 stars). 2 submissions from 2 submitters: Uncertain significance (2). Last evaluated 2025-03-20.

Conditions:
Nephronophthisis 12 (NPHP12). Identifiers: Orphanet 655, MedGen C3151186, MONDO:0013442, OMIM 613820.
Asphyxiating thoracic dystrophy 4 (SRTD4). Also called: SHORT-RIB THORACIC DYSPLASIA 4 WITH OR WITHOUT POLYDACTYLY; SHORT-RIB THORACIC DYSPLASIA 4. Identifiers: Orphanet 474, MedGen C3151185, MONDO:0013441, OMIM 613819.
TTC21B-related disorder. Also called: TTC21B-related disorders; TTC21B-related condition.

gnomAD v4.1: 6 of 1,613,650 alleles (0.00037%); highest among the groups gnomAD compares: African/African-American, 0.0013%; no homozygotes.

Submissions (2):

PreventionGenetics, part of Exact Sciences
Classification: Uncertain significance for TTC21B-related condition. Last evaluated: 2025-03-20. Review status: criteria provided, single submitter. Criteria: ACMG Guidelines, 2015. Collection method: clinical testing. Allele origin: germline.
Comment: The TTC21B c.311A>G variant is predicted to result in the amino acid substitution p.Lys104Arg. To our knowledge, this variant has not been reported in the literature. This variant is reported in 0.0062% of alleles in individuals of African descent in gnomAD. At this time, the clinical significance of this variant is uncertain due to the absence of conclusive functional and genetic evidence.

Fulgent Genetics
Classification: Uncertain significance for Asphyxiating thoracic dystrophy 4; Nephronophthisis 12. Last evaluated: 2024-05-17. Review status: criteria provided, single submitter. Criteria: ACMG Guidelines, 2015. Collection method: clinical testing. Allele origin: germline.